The following is an entry in ClinVar:

NM_001369.3(DNAH5):c.10259del (p.Asn3420fs)

Gene: DNAH5 (dynein axonemal heavy chain 5; minus strand). Cytogenetic location: 5p15.2.
Variant type: Deletion.
Coding change: c.10259del on transcript NM_001369.3 (MANE Select); coding-DNA position 10259, one base deleted (A; older notation c.10259delA).
Protein change: p.Asn3420fs; shifts the reading frame from asparagine 3420.
Molecular consequence: frameshift variant.
Genome position (GRCh38, 1-based): chr5:13,762,744, T deleted on the plus strand (A on the coding strand, the reverse complement: DNAH5 is on the minus strand); the first of 3 consecutive T bases (chr5:13,762,744-13,762,746); deleting any one gives the same sequence. VCF-style (leftmost placement, unchanged base first): chr5-13762743-GT-G. GRCh37 (hg19) VCF-style: chr5-13762852-GT-G.
Other names: short protein forms N3420fs.
Identifiers: ClinVar variation 5014662 (VCV005014662.1).
Genomic context (GRCh38, chr5:13,762,743, plus strand): 5'-GCCCAGCCACCTTCACCCAGGTCTGCCTAGCAGGCTTACCTTCAGAGGCAGTACTTCTTT[GT>G]TTATAGAAAAGAAGGAAGCCATAGCTTTCGTCCAGGAACAAAGACCAGCTACATTTCCAC-3'

ClinVar aggregate classification (germline): Pathogenic (1 of 4 stars; one submission).

Conditions:
Primary ciliary dyskinesia 3. Identifiers: Orphanet 244, MedGen C1837618, MONDO:0012085, OMIM 608644.

Submission:

Myriad Genetics, Inc.
Classification: Pathogenic for Primary ciliary dyskinesia 3. Last evaluated: 2025-06-30. Review status: criteria provided, single submitter. Criteria: Myriad Autosomal Dominant, Autosomal Recessive and X-Linked Classification Criteria (2023). Collection method: clinical testing. Allele origin: unknown.
Comment: NM_001369.2(DNAH5):c.10259delA(N3420Tfs*7) is expected to be pathogenic in the context of primary ciliary dyskinesia, DNAH5-related. This variant is predicted to lead to an abnormal or absent protein product due to the creation of a premature termination codon in DNAH5, a gene where loss-of-function variants are known to be pathogenic. Please note: this variant was assessed in the context of healthy population screening.